The following is an entry in ClinVar:

ClinVar aggregate classification (germline): Uncertain significance. Review status: criteria provided, multiple submitters, no conflicts (2 of 4 stars). 2 submissions from 2 submitters: Uncertain significance (2). Last evaluated 2024-08-20.

Conditions:
Cardiac malformation, cleft lip/palate, microcephaly, and digital anomalies. Also called: CLEFT PALATE, CARDIAC DEFECTS, AND IMPAIRED INTELLECTUAL DEVELOPMENT. Identifiers: MedGen C1832950, MONDO:0010970, OMIM 600987.
Inborn genetic diseases. Identifiers: MedGen C0950123, MeSH D030342.

gnomAD v4.1: 3 of 1,613,870 alleles (0.00019%); highest among the groups gnomAD compares: Non-Finnish European, 0.00025%; no homozygotes.

Submissions (2):

Ambry Genetics
Classification: Uncertain significance for Inborn genetic diseases. Last evaluated: 2024-08-20. Review status: criteria provided, single submitter. Criteria: Ambry Variant Classification Scheme 2023. Collection method: clinical testing. Allele origin: germline.

Daryl Scott Lab, Baylor College of Medicine
Classification: Uncertain significance for Cardiac malformation, cleft lip/palate, microcephaly, and digital anomalies. Last evaluated: 2024-04-01. Review status: criteria provided, single submitter. Criteria: ACMG Guidelines, 2015. Collection method: clinical testing. Allele origin: unknown. Observed: 1 heterozygote.
Comment: PM2, PP3

NM_170675.5(MEIS2):c.1247C>G (p.Pro416Arg)

Gene: MEIS2 (Meis homeobox 2; minus strand). Cytogenetic location: 15q14.
Variant type: single nucleotide variant.
Coding change: c.1247C>G on transcript NM_170675.5 (MANE Select); coding-DNA position 1247, C replaced by G.
Protein change: p.Pro416Arg; replaces proline 416 with arginine.
Molecular consequence: missense variant. On other transcripts: 3 prime UTR variant (5), non-coding transcript variant (1).
Genome position (GRCh38, 1-based): chr15:36,892,360, G>C on the plus strand (C>G on the coding strand, the complement: MEIS2 is on the minus strand). VCF-style: chr15-36892360-G-C. GRCh37 (hg19) VCF-style: chr15-37184561-G-C.
Other names: c.1226C>G, p.Pro409Arg (NM_001220482.2, NM_170676.5); c.*137C>G (NM_002399.4, NM_170674.5, NM_170677.5 and 2 more transcripts); short protein forms P416R, P409R.
Identifiers: ClinVar variation 3394911 (VCV003394911.2).
Genomic context (GRCh38, chr15:36,892,360, plus strand): 5'-GGGTGGTGGGGATGGCTTGGCAAATATGAATGCATTGGGGGTCCATGTCTTAATTGAGTA[G>C]GGTGTGGGGTCATCTGGGGAGGAGTGTAACTTGGCTGTGCCATACTCATTCCCATAGGAC-3'
Protein context (NP_733775.1, residues 406-426): SYTPPQMTPH[Pro416Arg]TQLRHGPPMH